The following is an entry in ClinVar:

NM_017636.4(TRPM4):c.2619C>T (p.Thr873=)

Gene: TRPM4 (transient receptor potential cation channel subfamily M member 4; plus strand). Cytogenetic location: 19q13.33.
Variant type: single nucleotide variant.
Coding change: c.2619C>T on transcript NM_017636.4 (MANE Select); coding-DNA position 2619, C replaced by T.
Protein change: p.Thr873=; no amino-acid change (threonine 873 retained).
Molecular consequence: synonymous variant. On other transcripts: intron variant (1).
Genome position (GRCh38, 1-based): chr19:49,196,848, C>T. VCF-style: chr19-49196848-C-T. GRCh37 (hg19) VCF-style: chr19-49700105-C-T.
Other names: c.2274C>T, p.Thr758= (NM_001321281.2); c.1011C>T, p.Thr337= (NM_001321282.2); c.2097C>T, p.Thr699= (NM_001321283.2); c.1557C>T, p.Thr519= (NM_001321285.2); c.2211-3452C>T (NM_001195227.2).
Identifiers: ClinVar variation 468936 (VCV000468936.22), dbSNP rs144544237, ClinGen allele CA9569591.

ClinVar aggregate classification (germline): Benign/Likely benign. Review status: criteria provided, multiple submitters, no conflicts (2 of 4 stars). 7 submissions from 7 submitters: Benign (5); Likely benign (2). Last evaluated 2026-02-03.

Conditions:
Progressive familial heart block type IB (PFHB1B). Identifiers: Orphanet 871, MedGen C1970298, MONDO:0011474, OMIM 604559.
Cardiovascular phenotype. Identifiers: MedGen CN230736.

Allele frequency attached by ClinVar (database versions not stated): gnomAD exomes 0.00073 and 0.00175; ExAC 0.00353; 1000 Genomes Project 30x 0.00625; 1000 Genomes Project 0.00699; ESP Exome Variant Server 0.00712; gnomAD 0.00738 and 0.00790; TOPMed 0.00815.
gnomAD v4.1: 2,232 of 1,587,464 alleles (0.14%); highest among the groups gnomAD compares: African/African-American, 2.6%; 30 homozygotes.

Submissions (7):

Labcorp Genetics (formerly Invitae), Labcorp
Classification: Benign for Progressive familial heart block type IB. Last evaluated: 2026-02-03. Review status: criteria provided, single submitter. Criteria: Invitae Variant Classification Sherloc (09022015). Collection method: clinical testing. Allele origin: germline.

Molecular Diagnostic Laboratory for Inherited Cardiovascular Disease, Montreal Heart Institute
Classification: Benign. Last evaluated: 2025-04-09. Review status: criteria provided, single submitter. Criteria: ACMG Guidelines, 2015. Collection method: clinical testing. Allele origin: germline. Affected: no.

Women's Health and Genetics/Laboratory Corporation of America, LabCorp
Classification: Benign. Last evaluated: 2024-02-25. Review status: criteria provided, single submitter. Criteria: LabCorp Variant Classification Summary - May 2015. Collection method: clinical testing. Allele origin: germline.

Illumina Laboratory Services, Illumina
Classification: Likely benign for Progressive familial heart block type IB. Last evaluated: 2018-01-12. Review status: criteria provided, single submitter. Criteria: ICSL Variant Classification Criteria 13 December 2019. Collection method: clinical testing. Allele origin: germline.
Comment: This variant was observed in the ICSL laboratory as part of a predisposition screen in an ostensibly healthy population. It had not been previously curated by ICSL or reported in the Human Gene Mutation Database (HGMD: prior to June 1st, 2018), and was therefore a candidate for classification through an automated scoring system. Utilizing variant allele frequency, disease prevalence and penetrance estimates, and inheritance mode, an automated score was calculated to assess if this variant is too frequent to cause the disease. Based on the score and internal cut-off values, a variant classified as likely benign is not then subjected to further curation. The score for this variant resulted in a classification of likely benign for this disease.

GeneDx
Classification: Benign. Last evaluated: 2017-02-16. Review status: criteria provided, single submitter. Criteria: GeneDx Variant Classification (06012015). Collection method: clinical testing. Allele origin: germline. Affected: yes.
Comment: This variant is considered likely benign or benign based on one or more of the following criteria: it is a conservative change, it occurs at a poorly conserved position in the protein, it is predicted to be benign by multiple in silico algorithms, and/or has population frequency not consistent with disease.

Ambry Genetics
Classification: Benign for Cardiovascular phenotype. Last evaluated: 2015-07-27. Review status: criteria provided, single submitter. Criteria: Ambry Variant Classification Scheme 2023. Collection method: clinical testing. Allele origin: germline.

Breakthrough Genomics
Classification: Likely benign. Review status: criteria provided, single submitter. Criteria: ACMG Guidelines, 2015. Collection method: not provided. Allele origin: germline. Inheritance: Autosomal dominant inheritance. Affected: yes.